The following is an entry in ClinVar:

NM_016219.5(MAN1B1):c.1885C>T (p.Arg629Ter)

Gene: MAN1B1 (mannosidase alpha class 1B member 1; plus strand). Cytogenetic location: 9q34.3.
Variant type: single nucleotide variant.
Coding change: c.1885C>T on transcript NM_016219.5 (MANE Select); coding-DNA position 1885, C replaced by T.
Protein change: p.Arg629Ter; replaces arginine 629 with a stop codon.
Molecular consequence: nonsense. On other transcripts: non-coding transcript variant (2).
Genome position (GRCh38, 1-based): chr9:137,107,651, C>T. VCF-style: chr9-137107651-C-T. GRCh37 (hg19) VCF-style: chr9-140002103-C-T.
Other names: short protein forms R629*.
Identifiers: ClinVar variation 4852606 (VCV004852606.2).

ClinVar aggregate classification (germline): Likely pathogenic (1 of 4 stars; one submission).

gnomAD v4.1: 24 of 1,609,498 alleles (0.0015%); highest among the groups gnomAD compares: South Asian, 0.0022%; no homozygotes.

Submission:

Dasa
Classification: Likely pathogenic. Last evaluated: 2025-11-15. Review status: criteria provided, single submitter. Criteria: DASA Assertion Criteria. Collection method: clinical testing. Allele origin: germline.
Comment: NM_016219.5(MAN1B1):c.1885C>T (p.Arg629*) is a nonsense variant in MAN1B1 predicted to introduce a premature termination codon and is predicted to result in an absent or altered protein product. Loss of function is an established disease mechanism for MAN1B1-associated disorders. This variant has been observed in affected individuals with MAN1B1-related disorders. Also, this variant is rare in population databases. Based on the currently available evidence, this variant is classified as likely pathogenic.